The following is an entry in ClinVar:

ClinVar aggregate classification (germline): Pathogenic (1 of 4 stars; one submission).

Conditions:
Papillon-Lefèvre syndrome (PALS). Also called: Papillon-Lefevre Disease; KERATOSIS PALMOPLANTARIS WITH PERIODONTOPATHIA. Identifiers: Orphanet 678, MedGen C0030360, MONDO:0009490, OMIM 245000.

gnomAD v4.1: 3 of 1,609,698 alleles (0.00019%); highest among the groups gnomAD compares: South Asian, 0.0033%; 1 homozygote.

Submission:

3billion
Classification: Pathogenic for Papillon-Lefèvre syndrome. Last evaluated: 2025-10-07. Review status: criteria provided, single submitter. Criteria: ACMG Guidelines, 2015. Collection method: clinical testing. Allele origin: germline. Affected: yes.
Comment: The variant is observed at an extremely low frequency in the gnomAD v4.1.0 dataset (total allele frequency: <0.001%). Predicted Consequence/Location: Canonical splice site: predicted to alter splicing and result in a loss or disruption of normal protein function. Multiple pathogenic loss-of-function variants are reported downstream of the variant. In silico tools predict the variant to alter splicing and produce an abnormal transcript [SpliceAI: 1.00 (spliceogenicity >=0.2, non-spliceogenicity <0.1)]. Therefore, this variant is classified as Pathogenic according to the recommendation of ACMG/AMP guideline.

NM_001814.6(CTSC):c.318+1G>A

Gene: CTSC (cathepsin C; minus strand). Cytogenetic location: 11q14.2.
Variant type: single nucleotide variant.
Coding change: c.318+1G>A on transcript NM_001814.6 (MANE Select); the canonical splice donor site of the intron after coding-DNA position 318, G replaced by A.
Molecular consequence: splice donor variant.
Genome position (GRCh38, 1-based): chr11:88,334,936, C>T on the plus strand (G>A on the coding strand, the complement: CTSC is on the minus strand). VCF-style: chr11-88334936-C-T. GRCh37 (hg19) VCF-style: chr11-88068104-C-T.
Other names: c.318+1G>A (NM_148170.5, NM_001114173.3).
Identifiers: ClinVar variation 4855774 (VCV004855774.1).